The following is an entry in ClinVar:

ClinVar aggregate classification (germline): Uncertain significance (1 of 4 stars; one submission).

Conditions:
Autosomal dominant nonsyndromic hearing loss 13. Identifiers: Orphanet 90635, MedGen C1866095, MONDO:0011159, OMIM 601868.

gnomAD v4.1: 4 of 1,613,094 alleles (0.00025%); highest among the groups gnomAD compares: South Asian, 0.0022%; no homozygotes.

Submission:

Victorian Clinical Genetics Services, Murdoch Childrens Research Institute
Classification: Uncertain significance for Autosomal dominant nonsyndromic hearing loss 13. Last evaluated: 2024-10-09. Review status: criteria provided, single submitter. Criteria: ACMG Guidelines, 2015. Collection method: clinical testing. Allele origin: germline. Inheritance: Autosomal dominant inheritance. Affected: yes.
Comment: Based on the classification scheme VCGS_Germline_v1.3.4, this variant is classified as VUS-3B. Following criteria are met: 0102 - Loss of function is a known mechanism of disease in this gene and is associated with COL11A2-related conditions. Dominant negative may also be a mechanism of disease in this gene associated with missense variants affecting Gly residues of GXY repeats (PMIDs: 16033917, 35741851). (I) 0108 - This gene is associated with both recessive and dominant disease (OMIM). (I) 0200 - Variant is predicted to result in a missense amino acid change from glutamine to arginine. (I) 0251 - This variant is heterozygous. (I) 0301 - Variant is absent from gnomAD (both v2 and v3). (SP) 0502 - Missense variant with conflicting in silico predictions and uninformative conservation. (I) 0600 - Variant is located in the annotated triple helical region (PMID: 25633957). (I) 0705 - No comparable missense variants have previous evidence for pathogenicity. (I) 0807 - This variant has no previous evidence of pathogenicity. (I) 0905 - No published segregation evidence has been identified for this variant. (I) 1007 - No published functional evidence has been identified for this variant. (I) 1208 - Inheritance information for this variant is not currently available in this individual. (I) Legend: (SP) - Supporting pathogenic, (I) - Information, (SB) - Supporting benign

Literature cited by the submitters: PubMed 16033917; PubMed 25633957; PubMed 35741851.

NM_080680.3(COL11A2):c.2114A>G (p.Gln705Arg)

Gene: COL11A2 (collagen type XI alpha 2 chain; minus strand). Cytogenetic location: 6p21.32.
Variant type: single nucleotide variant.
Coding change: c.2114A>G on transcript NM_080680.3 (MANE Select); coding-DNA position 2114, A replaced by G.
Protein change: p.Gln705Arg; replaces glutamine 705 with arginine.
Molecular consequence: missense variant.
Genome position (GRCh38, 1-based): chr6:33,176,722, T>C on the plus strand (A>G on the coding strand, the complement: COL11A2 is on the minus strand). VCF-style: chr6-33176722-T-C. GRCh37 (hg19) VCF-style: chr6-33144499-T-C.
Other names: c.1934A>G, p.Gln645Arg (NM_001424108.1); c.1268A>G, p.Gln423Arg (NM_001424109.1); c.1088A>G, p.Gln363Arg (NM_001424110.1, NM_001424111.1); c.68A>G, p.Gln23Arg (NM_001424112.1); c.1793A>G, p.Gln598Arg (NM_080679.3); c.1856A>G, p.Gln619Arg (NM_080681.3); short protein forms Q23R, Q363R, Q423R, Q598R, Q619R, Q645R, Q705R.
Identifiers: ClinVar variation 3377126 (VCV003377126.1).
Genomic context (GRCh38, chr6:33,176,722, plus strand): 5'-TGAGGCTCTAGAGTCTGAGTGGAGACTCCCTCAGGGGATAAAGACATGGAAGATCTCACC[T>C]GGTTTCCTTTGGTTCCAGGGGGACCTTCCTTCCCTGGGTGACCCTGGGAGTAAGGGATAG-3'
Protein context (NP_542411.2, residues 695-715): KEGPPGTKGN[Gln705Arg]GPSGPQGPLG